The following is an entry in ClinVar:

ClinVar aggregate classification (germline): Conflicting classifications of pathogenicity. Review status: criteria provided, conflicting classifications (1 of 4 stars). 5 submissions from 5 submitters: Uncertain significance (4); Likely benign (1). Last evaluated 2025-12-23.

Conditions:
Hereditary cancer-predisposing syndrome. Also called: Neoplastic Syndromes, Hereditary; Hereditary Cancer Syndrome; Tumor predisposition; Hereditary neoplastic syndrome. Identifiers: Orphanet 140162, MedGen C0027672, MeSH D009386, MONDO:0015356.
Peutz-Jeghers syndrome (PJS). Also called: POLYPOSIS, HAMARTOMATOUS INTESTINAL; POLYPS-AND-SPOTS SYNDROME; Peutz-Jeghers polyposis; Periorificial lentiginosis syndrome. Identifiers: Orphanet 2869, MedGen C0031269, MeSH D010580, MONDO:0008280, OMIM 175200.

gnomAD v4.1: 2 of 1,610,674 alleles (0.00012%); highest among the groups gnomAD compares: Non-Finnish European, 0.00017%; no homozygotes.

Submissions (5):

Ambry Genetics
Classification: Likely benign for Hereditary cancer-predisposing syndrome. Last evaluated: 2025-12-23. Review status: criteria provided, single submitter. Criteria: Ambry Variant Classification Scheme 2023. Collection method: clinical testing. Allele origin: germline.

Labcorp Genetics (formerly Invitae), Labcorp
Classification: Uncertain significance for Peutz-Jeghers syndrome. Last evaluated: 2025-06-18. Review status: criteria provided, single submitter. Criteria: Invitae Variant Classification Sherloc (09022015). Collection method: clinical testing. Allele origin: germline.
Comment: This sequence change replaces glycine, which is neutral and non-polar, with aspartic acid, which is acidic and polar, at codon 276 of the STK11 protein (p.Gly276Asp). This variant is present in population databases (no rsID available, gnomAD 0.0009%). This variant has not been reported in the literature in individuals affected with STK11-related conditions. ClinVar contains an entry for this variant (Variation ID: 234598). Invitae Evidence Modeling of protein sequence and biophysical properties (such as structural, functional, and spatial information, amino acid conservation, physicochemical variation, residue mobility, and thermodynamic stability) indicates that this missense variant is not expected to disrupt STK11 protein function with a negative predictive value of 95%. In summary, the available evidence is currently insufficient to determine the role of this variant in disease. Therefore, it has been classified as a Variant of Uncertain Significance.

Blueprint Genetics
Classification: Uncertain significance. Last evaluated: 2024-10-30. Review status: criteria provided, single submitter. Criteria: ACMG Guidelines, 2015. Collection method: clinical testing. Allele origin: germline.

Genome-Nilou Lab
Classification: Uncertain significance for Peutz-Jeghers syndrome. Last evaluated: 2021-07-15. Review status: criteria provided, single submitter. Criteria: ACMG Guidelines, 2015. Collection method: clinical testing. Allele origin: germline. Affected: no.

GeneDx
Classification: Uncertain significance. Last evaluated: 2015-10-31. Review status: criteria provided, single submitter. Criteria: GeneDx Variant Classification (06012015). Collection method: clinical testing. Allele origin: germline. Affected: yes.
Comment: This variant is denoted STK11 c.827G>A at the cDNA level, p.Gly276Asp (G276D) at the protein level, and results in the change of a Glycine to an Aspartic Acid (GGC>GAC). This variant has not, to our knowledge, been published in the literature as pathogenic or benign. STK11 Gly276Asp was not observed in approximately 6,500 individuals of European and African American ancestry in the NHLBI Exome Sequencing Project, suggesting it is not a common benign variant in these populations. Since Glycine and Aspartic Acid differ in polarity, charge, size or other properties, this is considered a non-conservative amino acid substitution. STK11 Gly276Asp occurs at a position that is not conserved and is located in the protein kinase domain (UniProt). In silico analyses are inconsistent regarding the effect this variant may have on protein structure and function. Based on currently available evidence, it is unclear whether STK11 Gly276Asp is a pathogenic or benign variant. We consider it to be a variant of uncertain significance.

NM_000455.5(STK11):c.827G>A (p.Gly276Asp)

Gene: STK11 (serine/threonine kinase 11; plus strand). Cytogenetic location: 19p13.3.
Variant type: single nucleotide variant.
Coding change: c.827G>A on transcript NM_000455.5 (MANE Select); coding-DNA position 827, G replaced by A.
Protein change: p.Gly276Asp; replaces glycine 276 with aspartic acid.
Molecular consequence: missense variant.
Genome position (GRCh38, 1-based): chr19:1,221,305, G>A. VCF-style: chr19-1221305-G-A. GRCh37 (hg19) VCF-style: chr19-1221304-G-A.
Other names: short protein forms G276D.
Identifiers: ClinVar variation 234598 (VCV000234598.16), dbSNP rs749927908, ClinGen allele CA10577597.